The following is an entry in ClinVar:

ClinVar aggregate classification (germline): Uncertain significance (1 of 4 stars; one submission).

Submission:

GeneDx
Classification: Uncertain significance. Last evaluated: 2014-11-07. Review status: criteria provided, single submitter. Criteria: GeneDx Variant Classification (06012015). Collection method: clinical testing. Allele origin: germline. Affected: yes.
Comment: Missense variants in the TTN gene are considered 'unclassified' if they are not previously reported in the literature and do not have >1% frequency in the population to be considered a polymorphism. Research indicates that truncating mutations in the TTN gene are expected to account for approximately 25% of familial and 18% of sporadic idiopathic DCM; however, truncating variants in the TTN gene have been reported in approximately 3% of reported control alleles. There has been little investigation into non-truncating variants. (Herman D et al. Truncations of titin causing dilated cardiomyopathy. N Eng J Med 366:619-628, 2012) The variant is found in CARDIOMYOPATHY panel(s).

NM_001267550.2(TTN):c.14786C>A (p.Pro4929His)

Gene: TTN (titin; minus strand). Cytogenetic location: 2q31.2.
Variant type: single nucleotide variant.
Coding change: c.14786C>A on transcript NM_001267550.2 (MANE Select); coding-DNA position 14786, C replaced by A.
Protein change: p.Pro4929His; replaces proline 4929 with histidine.
Molecular consequence: missense variant. On other transcripts: intron variant (3).
Genome position (GRCh38, 1-based): chr2:178,735,660, G>T on the plus strand (C>A on the coding strand, the complement: TTN is on the minus strand). VCF-style: chr2-178735660-G-T. GRCh37 (hg19) VCF-style: chr2-179600387-G-T.
Other names: p.P4612H:CCC>CAC; c.13835C>A, p.Pro4612His (NM_001256850.1); c.11054C>A, p.Pro3685His (NM_133378.4); c.13282+2422C>A (NM_003319.4); c.13858+2422C>A (NM_133437.4); c.13657+2422C>A (NM_133432.3); short protein forms P4612H, P4929H, P3685H.
Identifiers: ClinVar variation 203240 (VCV000203240.2), dbSNP rs794729606, ClinGen allele CA311779.